The following is an entry in ClinVar:

ClinVar aggregate classification (germline): Pathogenic (1 of 4 stars; one submission).

Conditions:
Familial thoracic aortic aneurysm and aortic dissection (TAAD). Also called: Thoracic aortic aneurysms and dissections. Identifiers: Orphanet 91387, MedGen C4707243, MONDO:0019625.
Marfan syndrome (MFS). Also called: FBN1-Related Marfan Syndrome; Marfan's syndrome; MARFAN SYNDROME, TYPE I; Marfan syndrome type 1; Marfan syndrome, classic. Identifiers: Orphanet 284963, Orphanet 558, MedGen C0024796, MONDO:0007947, OMIM 154700.

Submission:

Labcorp Genetics (formerly Invitae), Labcorp
Classification: Pathogenic for Marfan syndrome; Familial thoracic aortic aneurysm and aortic dissection. Last evaluated: 2019-11-11. Review status: criteria provided, single submitter. Criteria: Invitae Variant Classification Sherloc (09022015). Collection method: clinical testing. Allele origin: germline.
Comment: This variant is a gross deletion of the genomic region encompassing exon 2 of the FBN1 gene, which includes the initiator codon. The 5' end of this event is unknown as it extends beyond the assayed region for this gene and therefore may encompass additional genes. The 3' boundary is likely confined to intron 2 of the FBN1 gene. This is expected to result in an absent or disrupted protein product. This variant has not been reported in the literature in individuals with FBN1-related conditions. Loss-of-function variants in FBN1 are known to be pathogenic (PMID: 17657824, 19293843). For these reasons, this variant has been classified as Pathogenic.

NC_000015.10:g.(?_48644596)_(48644779_?)del

Gene: FBN1 (fibrillin 1; minus strand). Cytogenetic location: 15q21.1.
Variant type: Deletion.
Identifiers: ClinVar variation 831123 (VCV000831123.1).